The following is an entry in ClinVar:

ClinVar aggregate classification (germline): Pathogenic (1 of 4 stars; one submission).

Conditions:
Generalized epilepsy with febrile seizures plus, type 7 (GEFSP7). Also called: GEFS+, TYPE 7. Identifiers: Orphanet 36387, MedGen C2751778, MONDO:0013470, OMIM 613863.
Neuropathy, hereditary sensory and autonomic, type 2A (HSAN2A). Also called: WNK1-Related HSAN2 (HSAN2A); HSAN IIA; NEUROPATHY, HEREDITARY SENSORY, TYPE IIA; NEUROPATHY, PROGRESSIVE SENSORY, OF CHILDREN; MORVAN DISEASE; NEUROPATHY, CONGENITAL SENSORY. Identifiers: Orphanet 970, MedGen C2752089, MONDO:0024309, OMIM 201300.

Submission:

Labcorp Genetics (formerly Invitae), Labcorp
Classification: Pathogenic for Neuropathy, hereditary sensory and autonomic, type 2A; Generalized epilepsy with febrile seizures plus, type 7. Last evaluated: 2020-10-25. Review status: criteria provided, single submitter. Criteria: Invitae Variant Classification Sherloc (09022015). Collection method: clinical testing. Allele origin: germline.
Comment: This variant is not present in population databases (ExAC no frequency). This sequence change affects a donor splice site in intron 20 of the SCN9A gene. It is expected to disrupt RNA splicing and likely results in an absent or disrupted protein product. Donor and acceptor splice site variants typically lead to a loss of protein function (PMID: 16199547), and loss-of-function variants in SCN9A are known to be pathogenic (PMID: 17470132, 19304393). This variant has been observed in individual(s) with clinical features of autosomal recessive hereditary sensory and autonomic neuropathy (Invitae). In at least one individual the data is consistent with the variant being in trans (on the opposite chromosome) from a pathogenic variant. For these reasons, this variant has been classified as Pathogenic.

Literature cited by the submitters: PubMed 16199547; PubMed 17470132; PubMed 19304393.

NM_001365536.1(SCN9A):c.3801+1G>A

Genes: SCN9A (sodium voltage-gated channel alpha subunit 9; minus strand), SCN1A-AS1 (SCN1A and SCN9A antisense RNA 1; plus strand). Cytogenetic location: 2q24.3.
Variant type: single nucleotide variant.
Coding change: c.3801+1G>A on transcript NM_001365536.1 (MANE Select); the canonical splice donor site of the intron after coding-DNA position 3801, G replaced by A.
Molecular consequence: splice donor variant.
Genome position (GRCh38, 1-based): chr2:166,238,093, C>T on the plus strand (G>A on the coding strand, the complement: SCN9A is on the minus strand). VCF-style: chr2-166238093-C-T. GRCh37 (hg19) VCF-style: chr2-167094603-C-T.
Other names: c.3768+1G>A (NM_002977.4).
Identifiers: ClinVar variation 1076959 (VCV001076959.9), dbSNP rs2106403305, ClinGen allele CA349068362.